The following is an entry in ClinVar:

ClinVar aggregate classification (germline): Uncertain significance (1 of 4 stars; one submission).

Conditions:
Cardiovascular phenotype. Identifiers: MedGen CN230736.

Submission:

Ambry Genetics
Classification: Uncertain significance for Cardiovascular phenotype. Last evaluated: 2020-09-28. Review status: criteria provided, single submitter. Criteria: Ambry Variant Classification Scheme 2023. Collection method: clinical testing. Allele origin: germline.
Comment: The p.P489R variant (also known as c.1466C>G), located in coding exon 9 of the LDB3 gene, results from a C to G substitution at nucleotide position 1466. The proline at codon 489 is replaced by arginine, an amino acid with dissimilar properties. This amino acid position is highly conserved in available vertebrate species. In addition, this alteration is predicted to be deleterious by in silico analysis. Since supporting evidence is limited at this time, the clinical significance of this alteration remains unclear.

NM_007078.3(LDB3):c.1466C>G (p.Pro489Arg)

Gene: LDB3 (LIM domain binding 3; plus strand). Cytogenetic location: 10q23.2.
Variant type: single nucleotide variant.
Coding change: c.1466C>G on transcript NM_007078.3 (MANE Select); coding-DNA position 1466, C replaced by G.
Protein change: p.Pro489Arg; replaces proline 489 with arginine.
Molecular consequence: missense variant.
Genome position (GRCh38, 1-based): chr10:86,716,561, C>G. VCF-style: chr10-86716561-C-G. GRCh37 (hg19) VCF-style: chr10-88476318-C-G.
Other names: c.1136C>G, p.Pro379Arg (NM_001080114.2); c.1481C>G, p.Pro494Arg (NM_001171610.2); c.1277C>G, p.Pro426Arg (NM_001368064.1, NM_001368065.1); c.1325C>G, p.Pro442Arg (NM_001368066.1); short protein forms P489R, P494R, P379R, P426R, P442R.
Identifiers: ClinVar variation 1773261 (VCV001773261.2), dbSNP rs2492809640, ClinGen allele CA377450859.